The following is an entry in ClinVar:

ClinVar aggregate classification (germline): Benign/Likely benign. Review status: criteria provided, multiple submitters, no conflicts (2 of 4 stars). 4 submissions from 4 submitters: Benign (1); Likely benign (3). Last evaluated 2026-08-12.

Conditions:
Hereditary cancer-predisposing syndrome. Also called: Neoplastic Syndromes, Hereditary; Tumor predisposition; Hereditary Cancer Syndrome; Hereditary neoplastic syndrome. Identifiers: Orphanet 140162, MedGen C0027672, MeSH D009386, MONDO:0015356.
Birt-Hogg-Dube syndrome. Also called: Birt Hogg Dubé syndrome. Identifiers: Orphanet 122, MedGen C0346010, MONDO:0800444.
FLCN-related disorder. Also called: FLCN-related condition.
Birt-Hogg-Dube syndrome 1 (BHD1). Also called: FIBROFOLLICULOMAS WITH TRICHODISCOMAS AND ACROCHORDONS. Identifiers: Orphanet 122, MedGen CN375946, MONDO:0800445, OMIM 135150.

Allele frequency attached by ClinVar (database versions not stated): gnomAD exomes 0.00001 and 0.00002; ExAC 0.00003.
gnomAD v4.1: 11 of 1,613,872 alleles (0.00068%); highest among the groups gnomAD compares: Non-Finnish European, 0.00093%; no homozygotes.

Submissions (4):

PreventionGenetics, part of Exact Sciences
Classification: Likely benign for FLCN-related condition. Last evaluated: 2026-08-12. Review status: criteria provided, single submitter. Criteria: ACMG Guidelines, 2015. Collection method: clinical testing. Allele origin: germline.
Comment: This variant is classified as likely benign based on ACMG/AMP sequence variant interpretation guidelines (Richards et al. 2015 PMID: 25741868, with internal and published modifications).

Labcorp Genetics (formerly Invitae), Labcorp
Classification: Likely benign for Birt-Hogg-Dube syndrome. Last evaluated: 2026-01-26. Review status: criteria provided, single submitter. Criteria: Invitae Variant Classification Sherloc (09022015). Collection method: clinical testing. Allele origin: germline.

Myriad Genetics, Inc.
Classification: Benign for Birt-Hogg-Dube syndrome 1. Last evaluated: 2024-10-23. Review status: criteria provided, single submitter. Criteria: Myriad Autosomal Dominant, Autosomal Recessive and X-Linked Classification Criteria (2023). Collection method: clinical testing. Allele origin: unknown.
Comment: This variant is considered benign. This variant is a silent/synonymous amino acid change and it is not expected to impact splicing.

Ambry Genetics
Classification: Likely benign for Hereditary cancer-predisposing syndrome. Last evaluated: 2019-06-07. Review status: criteria provided, single submitter. Criteria: Ambry Variant Classification Scheme 2023. Collection method: clinical testing. Allele origin: germline.

NM_144997.7(FLCN):c.489C>A (p.Ala163=)

Gene: FLCN (folliculin; minus strand). Cytogenetic location: 17p11.2.
Variant type: single nucleotide variant.
Coding change: c.489C>A on transcript NM_144997.7 (MANE Select); coding-DNA position 489, C replaced by A.
Protein change: p.Ala163=; no amino-acid change (alanine 163 retained).
Molecular consequence: synonymous variant.
Genome position (GRCh38, 1-based): chr17:17,224,051, G>T on the plus strand (C>A on the coding strand, the complement: FLCN is on the minus strand). VCF-style: chr17-17224051-G-T. GRCh37 (hg19) VCF-style: chr17-17127365-G-T.
Other names: c.543C>A, p.Ala181= (NM_001353229.2); c.489C>A, p.Ala163= (NM_001353230.2, NM_001353231.2, NM_144606.7).
Identifiers: ClinVar variation 706386 (VCV000706386.13), dbSNP rs775176038, ClinGen allele CA8416391.